The following is an entry in ClinVar:

ClinVar aggregate classification (germline): Likely benign. Review status: criteria provided, multiple submitters, no conflicts (2 of 4 stars). 2 submissions from 2 submitters: Likely benign (2). Last evaluated 2026-07-01.

Conditions:
Charcot-Marie-Tooth disease dominant intermediate C (CMTDIC). Also called: CHARCOT-MARIE-TOOTH NEUROPATHY, DOMINANT INTERMEDIATE C. Identifiers: Orphanet 100045, MedGen C1842237, MONDO:0012012, OMIM 608323.

Allele frequency attached by ClinVar (database versions not stated): gnomAD 0.00001; gnomAD exomes 0.00001 and below 0.00001; TOPMed below 0.00001.
gnomAD v4.1: 3 of 1,614,008 alleles (0.00019%); highest among the groups gnomAD compares: Non-Finnish European, 0.00025%; no homozygotes.

Submissions (2):

CeGaT Center for Human Genetics Tuebingen
Classification: Likely benign. Last evaluated: 2026-07-01. Review status: criteria provided, single submitter. Criteria: CeGaT Center For Human Genetics Tuebingen Variant Classification Criteria Version 2. Collection method: clinical testing. Allele origin: germline. Affected: yes. Observed: 1 variant allele.
Comment: YARS1: BP4, BP7

Labcorp Genetics (formerly Invitae), Labcorp
Classification: Likely benign for Charcot-Marie-Tooth disease dominant intermediate C. Last evaluated: 2025-03-27. Review status: criteria provided, single submitter. Criteria: Invitae Variant Classification Sherloc (09022015). Collection method: clinical testing. Allele origin: germline.

NM_003680.4(YARS1):c.1059C>T (p.Gly353=)

Gene: YARS1 (tyrosyl-tRNA synthetase 1; minus strand). Cytogenetic location: 1p35.1.
Variant type: single nucleotide variant.
Coding change: c.1059C>T on transcript NM_003680.4 (MANE Select); coding-DNA position 1059, C replaced by T.
Protein change: p.Gly353=; no amino-acid change (glycine 353 retained).
Molecular consequence: synonymous variant.
Genome position (GRCh38, 1-based): chr1:32,781,129, G>A on the plus strand (C>T on the coding strand, the complement: YARS1 is on the minus strand). VCF-style: chr1-32781129-G-A. GRCh37 (hg19) VCF-style: chr1-33246730-G-A.
Identifiers: ClinVar variation 1681496 (VCV001681496.9), dbSNP rs1220249736, ClinGen allele CA339682916.
Genomic context (GRCh38, chr1:32,781,129, plus strand): 5'-CCCCACACGGATATCCAGCCGGGATGGGATGACCTCCTCTGGTTCTGAATTCTTGGCAGG[G>A]CCTTTGGCCATTGGCTCTGGGAATGAGAAGAACCCCATGAGGTAGAATTCTTCCCTGTGG-3'
Protein context (NP_003671.1, residues 343-363): DPSKQKPMAK[Gly353=]PAKNSEPEEV